The following is an entry in ClinVar:

ClinVar aggregate classification (germline): Uncertain significance (1 of 4 stars; one submission).

Conditions:
Coffin-Siris syndrome 8. Identifiers: MedGen C5193054, MONDO:0032702, OMIM 618362.

Submission:

New York Genome Center
Classification: Uncertain significance for Coffin-Siris syndrome 8. Last evaluated: 2020-05-14. Review status: criteria provided, single submitter. Criteria: NYGC Assertion Criteria 2020. Collection method: clinical testing. Allele origin: paternal. Inheritance: Autosomal dominant inheritance. Observed: 1 heterozygote. Study: CSER-NYCKidSeq. Segregation with disease not observed.
Comment: The inherited heterozygous c.1142-1G>C splice site variant identified in this individual has not been reported in the literature in affected individuals and is absent from the gnomAD database indicating it is an extremely rare allele in the general population. The variant affects the canonical splice acceptor site in intron 12/27 of the SMARCC2 gene and is predicted to cause abnormal gene splicing, either subjecting the transcript to nonsense-mediated mRNA decay or resulting in an abnormal protein product if the message is used for protein translation. The affected nucleotide is perfectly conserved. Pathogenic SMARCC2 variants are typically de novo or inherited from an affected parent [PMID: 30580808]. Incomplete penetrance for SMARCC2 pathogenic variants has not been reported in the literature to the best of our knowledge. Based on the available evidence, this splice site variant in the SMARCC2 gene is assessed as a variant of uncertain significance.

NM_001330288.2(SMARCC2):c.1142-1G>C

Gene: SMARCC2 (SWI/SNF related, matrix associated, actin dependent regulator of chromatin subfamily c member 2; minus strand). Cytogenetic location: 12q13.2.
Variant type: single nucleotide variant.
Coding change: c.1142-1G>C on transcript NM_001330288.2 (MANE Select); the canonical splice acceptor site of the intron before coding-DNA position 1142, G replaced by C.
Molecular consequence: splice acceptor variant.
Genome position (GRCh38, 1-based): chr12:56,178,848, C>G on the plus strand (G>C on the coding strand, the complement: SMARCC2 is on the minus strand). VCF-style: chr12-56178848-C-G. GRCh37 (hg19) VCF-style: chr12-56572632-C-G.
Other names: c.1142-1G>C (NM_003075.5, NM_139067.4, NM_001130420.3).
Identifiers: ClinVar variation 996943 (VCV000996943.1), dbSNP rs1875550324, ClinGen allele CA385350141.
Genomic context (GRCh38, chr12:56,178,848, plus strand): 5'-GGCCTCTCTAAACTGGCTCCACCTTGCCCGTCGTCTCCATGCTTTCATCTTCCTGTTCAT[C>G]TGAAAGAGAAAAACCAAGATGTAAGGCTGGAGCCTCCTGAGGGGCAAGAAAGCCCTACCA-3'